The following is an entry in ClinVar:

ClinVar aggregate classification (germline): Uncertain significance (1 of 4 stars; one submission).

Conditions:
Familial X-linked hypophosphatemic vitamin D refractory rickets (XLHRD). Also called: Hypophosphatemia, vitamin D-resistant rickets; Vitamin D-resistant rickets, X-linked; X-Linked Hypophosphatemia; Hypophosphatemic Rickets, X-Linked Dominant; HYPOPHOSPHATEMIC VITAMIN D-RESISTANT RICKETS. Identifiers: Orphanet 89936, MedGen C0733682, MONDO:0010619, OMIM 307800.

Submission:

Molecular Genetics, Royal Melbourne Hospital
Classification: Uncertain significance for Familial X-linked hypophosphatemic vitamin D refractory rickets. Last evaluated: 2023-05-05. Review status: criteria provided, single submitter. Criteria: ACMG Guidelines, 2015. Collection method: clinical testing. Allele origin: germline. Affected: yes.
Comment: This sequence change in PHEX is predicted to replace alanine with threonine at codon 573, p.(Ala573Thr). The alanine residue is highly conserved (92 vertebrates, UCSC) and is located in the peptidase M13 domain. There is a small physicochemical difference between alanine and threonine. This variant is absent from the population database gnomAD v2.1 and v3.1. To our knowledge, this variant has not been reported in the literature in any individuals with X-linked hypophosphataemic rickets. Computational evidence predicts a deleterious effect for the missense substitution (REVEL = 0.78). Another missense variant with a larger physiochemical difference in the same codon c.1718C>A, p. (Ala573Asp) has been reported as pathogenic in association with X-linked hypophosphataemic rickets (ClinVar Variation ID: 438578). Based on the classification scheme RMH Modified ACMG/AMP Guidelines v1.6.1, this variant is classified as a VARIANT OF UNCERTAIN SIGNIFICANCE. Following criteria are met: PM2_Supporting, PP3, PP4.

NM_000444.6(PHEX):c.1717G>A (p.Ala573Thr)

Genes: PHEX (phosphate regulating endopeptidase X-linked; plus strand), PTCHD1-AS (PTCHD1 and PHEX antisense RNA; minus strand). Cytogenetic location: Xp22.11.
Variant type: single nucleotide variant.
Coding change: c.1717G>A on transcript NM_000444.6 (MANE Select); coding-DNA position 1717, G replaced by A.
Protein change: p.Ala573Thr; replaces alanine 573 with threonine.
Molecular consequence: missense variant.
Genome position (GRCh38, 1-based): chrX:22,219,052, G>A. VCF-style: chrX-22219052-G-A. GRCh37 (hg19) VCF-style: chrX-22237169-G-A.
Other names: c.1717G>A, p.Ala573Thr (NM_001282754.2); short protein forms A573T.
Identifiers: ClinVar variation 3068548 (VCV003068548.1), dbSNP rs1057520756, ClinGen allele CA412575747.